The following is an entry in ClinVar:

ClinVar aggregate classification (germline): Uncertain significance (1 of 4 stars; one submission).

Conditions:
Hereditary cancer-predisposing syndrome. Also called: Neoplastic Syndromes, Hereditary; Tumor predisposition; Hereditary Cancer Syndrome; Hereditary neoplastic syndrome. Identifiers: Orphanet 140162, MedGen C0027672, MeSH D009386, MONDO:0015356.

Submission:

Ambry Genetics
Classification: Uncertain significance for Hereditary cancer-predisposing syndrome. Last evaluated: 2025-10-23. Review status: criteria provided, single submitter. Criteria: Ambry Variant Classification Scheme 2023. Collection method: clinical testing. Allele origin: germline.
Comment: The c.3733_3738dupTTTTCA variant (also known as p.F1245_S1246dup), located in coding exon 8 of the MSH6 gene, results from an in-frame duplication of TTTTCA at nucleotide positions 3733 to 3738. This results in the duplication of 2 extra residues (FS) between codons 1245 and 1246. This amino acid region is highly conserved in available vertebrate species. In addition, this variant is predicted to be deleterious by in silico analysis (Choi Y et al. PLoS ONE. 2012; 7(10):e46688). Based on the available evidence, the clinical significance of this variant remains unclear.

NM_000179.3(MSH6):c.3733_3738dup (p.Ser1246_Thr1247insPheSer)

Gene: MSH6 (mutS homolog 6; plus strand). Cytogenetic location: 2p16.3.
Variant type: Duplication.
Coding change: c.3733_3738dup on transcript NM_000179.3 (MANE Select); coding-DNA positions 3733 to 3738, 6 bases duplicated (TTTTCA; older notation c.3733_3738dupTTTTCA).
Protein change: p.Ser1246_Thr1247insPheSer.
Molecular consequence: inframe insertion. On other transcripts: non-coding transcript variant (5), inframe indel (1).
Genome position (GRCh38, 1-based): chr2:47,806,290-47,806,295, TTTTCA duplicated; duplicating any 6 consecutive bases within chr2:47,806,289-47,806,295 gives the same sequence; the c. name uses the placement nearest the transcript's 3' end. VCF-style (leftmost placement, unchanged base first): chr2-47806288-T-TATTTTC. GRCh37 (hg19) VCF-style: chr2-48033427-T-TATTTTC.
Other names: c.3343_3348dup, p.Ser1116_Thr1117insPheSer (NM_001281492.2); c.2827_2832dup, p.Ser944_Thr945insPheSer (NM_001281493.2, NM_001281494.2, NM_001406811.1 and 6 more transcripts); c.3829_3834dup, p.Ser1278_Thr1279insPheSer (NM_001406795.1, NM_001406802.1); c.3733_3738dup, p.Ser1246_Thr1247insPheSer (NM_001406796.1, NM_001406800.1, NM_001406808.1 and 1 more transcripts); c.3436_3441dup, p.Ser1147_Thr1148insPheSer (NM_001406797.1, NM_001406801.1, NM_001406805.1 and 10 more transcripts); c.3559_3564dup, p.Ser1188_Thr1189insPheSer (NM_001406798.1); c.3208_3213dup, p.Ser1071_Thr1072insPheSer (NM_001406799.1, NM_001406806.1, NM_001406807.1); c.2869_2874dup, p.Ser958_Thr959insPheSer (NM_001406803.1); and 8 more.
Identifiers: ClinVar variation 4657825 (VCV004657825.1).